The following is an entry in ClinVar:

ClinVar aggregate classification (germline): Uncertain significance. Review status: criteria provided, multiple submitters, no conflicts (2 of 4 stars). 2 submissions from 2 submitters: Uncertain significance (2). Last evaluated 2024-10-26.

Allele frequency attached by ClinVar (database versions not stated): gnomAD exomes 0.00006 and 0.00016; TOPMed 0.00008; ExAC 0.00009; gnomAD 0.00009; ESP Exome Variant Server 0.00023.
gnomAD v4.1: 242 of 1,613,350 alleles (0.015%); highest among the groups gnomAD compares: Non-Finnish European, 0.019%; no homozygotes.

Submissions (2):

Ambry Genetics
Classification: Uncertain significance. Last evaluated: 2024-10-26. Review status: criteria provided, single submitter. Criteria: Ambry Variant Classification Scheme 2023. Collection method: clinical testing. Allele origin: germline.

Labcorp Genetics (formerly Invitae), Labcorp
Classification: Uncertain significance. Last evaluated: 2024-09-14. Review status: criteria provided, single submitter. Criteria: Invitae Variant Classification Sherloc (09022015). Collection method: clinical testing. Allele origin: germline.
Comment: This sequence change replaces leucine, which is neutral and non-polar, with proline, which is neutral and non-polar, at codon 183 of the CD164 protein (p.Leu183Pro). This variant is present in population databases (rs147393458, gnomAD 0.01%). This variant has not been reported in the literature in individuals affected with CD164-related conditions. ClinVar contains an entry for this variant (Variation ID: 1506544). An algorithm developed to predict the effect of missense changes on protein structure and function (PolyPhen-2) suggests that this variant is likely to be disruptive. In summary, the available evidence is currently insufficient to determine the role of this variant in disease. Therefore, it has been classified as a Variant of Uncertain Significance.

NM_006016.6(CD164):c.548T>C (p.Leu183Pro)

Gene: CD164 (CD164 molecule; minus strand). Cytogenetic location: 6q21.
Variant type: single nucleotide variant.
Coding change: c.548T>C on transcript NM_006016.6 (MANE Select); coding-DNA position 548, T replaced by C.
Protein change: p.Leu183Pro; replaces leucine 183 with proline.
Molecular consequence: missense variant. On other transcripts: intron variant (2).
Genome position (GRCh38, 1-based): chr6:109,368,897, A>G on the plus strand (T>C on the coding strand, the complement: CD164 is on the minus strand). VCF-style: chr6-109368897-A-G. GRCh37 (hg19) VCF-style: chr6-109690100-A-G.
Other names: c.509T>C, p.Leu170Pro (NM_001142401.3); c.491T>C, p.Leu164Pro (NM_001142402.3); c.446T>C, p.Leu149Pro (NM_001346500.2); c.428-572T>C (NM_001142404.3); c.523+25T>C (NM_001142403.3); c.548T>C (NM_006016.4); short protein forms L149P, L164P, L183P, L170P.
Identifiers: ClinVar variation 1506544 (VCV001506544.9), dbSNP rs147393458, ClinGen allele CA3951500.